The following is an entry in ClinVar:

ClinVar aggregate classification (germline): Uncertain significance (1 of 4 stars; one submission).

Conditions:
Progressive myoclonic epilepsy. Also called: Myoclonus epilepsy; Progressive myoclonus epilepsy; Familial progressive myoclonic epilepsy; Myoclonic Epilepsies, Progressive. Identifiers: Orphanet 308, Orphanet 98261, MedGen C0751778, MONDO:0020074.

Submission:

Labcorp Genetics (formerly Invitae), Labcorp
Classification: Uncertain significance for Progressive myoclonic epilepsy. Last evaluated: 2019-05-13. Review status: criteria provided, single submitter. Criteria: Invitae Variant Classification Sherloc (09022015). Collection method: clinical testing. Allele origin: germline.
Comment: This sequence change replaces valine with glutamic acid at codon 22 of the EPM2A protein (p.Val22Glu). The valine residue is moderately conserved and there is a moderate physicochemical difference between valine and glutamic acid. The frequency data for this variant in the population databases is considered unreliable, as metrics indicate insufficient coverage at this position in the ExAC database. This variant has not been reported in the literature in individuals with EPM2A-related conditions. Algorithms developed to predict the effect of missense changes on protein structure and function are either unavailable or do not agree on the potential impact of this missense change (SIFT: "Deleterious"; PolyPhen-2: "Possibly Damaging"; Align-GVGD: "Class C0"). In summary, the available evidence is currently insufficient to determine the role of this variant in disease. Therefore, it has been classified as a Variant of Uncertain Significance.

NM_005670.4(EPM2A):c.65T>A (p.Val22Glu)

Genes: EPM2A (EPM2A glucan phosphatase, laforin; minus strand), EPM2A-DT (EPM2A divergent transcript; plus strand), LOC129997381 (ATAC-STARR-seq lymphoblastoid silent region 17642; plus strand). Cytogenetic location: 6q24.3.
Variant type: single nucleotide variant.
Coding change: c.65T>A on transcript NM_005670.4 (MANE Select); coding-DNA position 65, T replaced by A.
Protein change: p.Val22Glu; replaces valine 22 with glutamic acid.
Molecular consequence: missense variant. On other transcripts: 5 prime UTR variant (3), intron variant (1).
Genome position (GRCh38, 1-based): chr6:145,735,434, A>T on the plus strand (T>A on the coding strand, the complement: EPM2A is on the minus strand). VCF-style: chr6-145735434-A-T. GRCh37 (hg19) VCF-style: chr6-146056570-A-T.
Other names: c.65T>A, p.Val22Glu (NM_001018041.2, NM_001360057.2, NM_001368130.1); c.-605T>A (NM_001360071.2); c.-559T>A (NM_001368129.2); c.-303T>A (NM_001368131.1); c.-114+474T>A (NM_001360064.2); short protein forms V22E.
Identifiers: ClinVar variation 862805 (VCV000862805.10), dbSNP rs1776818676, ClinGen allele CA366188529.